The following is an entry in ClinVar:

ClinVar aggregate classification (germline): Uncertain significance (1 of 4 stars; one submission).

Conditions:
Autosomal dominant nonsyndromic hearing loss 1. Also called: KONIGSMARK SYNDROME; DEAFNESS, AUTOSOMAL DOMINANT 1, WITH OR WITHOUT THROMBOCYTOPENIA. Identifiers: Orphanet 90635, MedGen C1852282, MONDO:0007424, OMIM 124900.
Progressive microcephaly-seizures-cortical blindness-developmental delay syndrome. Also called: Seizures, cortical blindness, and microcephaly syndrome. Identifiers: Orphanet 477814, MedGen C5567650, MONDO:0014714, OMIM 616632.

Allele frequency attached by ClinVar (database versions not stated): TOPMed below 0.00001.
gnomAD v4.1: 1 of 1,614,010 alleles (0.000062%); highest among the groups gnomAD compares: Non-Finnish European, 0.000085%; no homozygotes.

Submission:

Labcorp Genetics (formerly Invitae), Labcorp
Classification: Uncertain significance for Progressive microcephaly-seizures-cortical blindness-developmental delay syndrome; Autosomal dominant nonsyndromic hearing loss 1. Last evaluated: 2021-07-04. Review status: criteria provided, single submitter. Criteria: Invitae Variant Classification Sherloc (09022015). Collection method: clinical testing. Allele origin: germline.
Comment: This variant is present in population databases (rs748386464, ExAC 0.001%). This variant has not been reported in the literature in individuals affected with DIAPH1-related conditions. Algorithms developed to predict the effect of missense changes on protein structure and function are either unavailable or do not agree on the potential impact of this missense change (SIFT: "Deleterious"; PolyPhen-2: "Not Available"; Align-GVGD: "Class C0"). In summary, the available evidence is currently insufficient to determine the role of this variant in disease. Therefore, it has been classified as a Variant of Uncertain Significance. This sequence change replaces isoleucine with methionine at codon 334 of the DIAPH1 protein (p.Ile334Met). The isoleucine residue is moderately conserved and there is a small physicochemical difference between isoleucine and methionine.

NM_005219.5(DIAPH1):c.1002C>G (p.Ile334Met)

Gene: DIAPH1 (diaphanous related formin 1; minus strand). Cytogenetic location: 5q31.3.
Variant type: single nucleotide variant.
Coding change: c.1002C>G on transcript NM_005219.5 (MANE Select); coding-DNA position 1002, C replaced by G.
Protein change: p.Ile334Met; replaces isoleucine 334 with methionine.
Molecular consequence: missense variant.
Genome position (GRCh38, 1-based): chr5:141,578,557, G>C on the plus strand (C>G on the coding strand, the complement: DIAPH1 is on the minus strand). VCF-style: chr5-141578557-G-C. GRCh37 (hg19) VCF-style: chr5-140958124-G-C.
Other names: c.975C>G, p.Ile325Met (NM_001079812.3); c.1002C>G, p.Ile334Met (NM_001314007.2); short protein forms I325M, I334M.
Identifiers: ClinVar variation 1436942 (VCV001436942.8), dbSNP rs748386464, ClinGen allele CA3479417.